The following is an entry in ClinVar:

NM_000256.3(MYBPC3):c.20A>C (p.Lys7Thr)

Gene: MYBPC3 (myosin binding protein C3; minus strand). Cytogenetic location: 11p11.2.
Variant type: single nucleotide variant.
Coding change: c.20A>C on transcript NM_000256.3 (MANE Select); coding-DNA position 20, A replaced by C.
Protein change: p.Lys7Thr; replaces lysine 7 with threonine.
Molecular consequence: missense variant.
Genome position (GRCh38, 1-based): chr11:47,352,628, T>G on the plus strand (A>C on the coding strand, the complement: MYBPC3 is on the minus strand). VCF-style: chr11-47352628-T-G. GRCh37 (hg19) VCF-style: chr11-47374179-T-G.
Other names: short protein forms K7T.
Identifiers: ClinVar variation 684792 (VCV000684792.3), dbSNP rs1595851193, ClinGen allele CA380342752.

ClinVar aggregate classification (germline): Uncertain significance (1 of 4 stars; one submission).

Conditions:
Cardiovascular phenotype. Identifiers: MedGen CN230736.

Allele frequency attached by ClinVar (database versions not stated): gnomAD exomes 0.00001.
gnomAD v4.1: 3 of 1,598,060 alleles (0.00019%); highest among the groups gnomAD compares: Non-Finnish European, 0.00026%; no homozygotes.

Submission:

Molecular Diagnostic Laboratory for Inherited Cardiovascular Disease, Montreal Heart Institute
Classification: Uncertain significance for Cardiovascular phenotype. Last evaluated: 2025-04-08. Review status: criteria provided, single submitter. Criteria: ACMG Guidelines, 2015. Collection method: clinical testing. Allele origin: germline. Affected: yes.
Comment: PM2, BP4